The following is an entry in ClinVar:

ClinVar aggregate classification (germline): Benign/Likely benign. Review status: criteria provided, multiple submitters, no conflicts (2 of 4 stars). 6 submissions from 6 submitters: Benign (2); Likely benign (3). 1 of the submissions does not count toward it. Last evaluated 2025-05-11.

Conditions:
ARHGAP31-related disorder. Also called: ARHGAP31-related condition.
Adams-Oliver syndrome 1 (AOS1). Also called: APLASIA CUTIS CONGENITA WITH TERMINAL TRANSVERSE LIMB DEFECTS; ABSENCE DEFECT OF LIMBS, SCALP, AND SKULL; CONGENITAL SCALP DEFECTS WITH DISTAL LIMB REDUCTION ANOMALIES. Identifiers: Orphanet 974, MedGen C4551482, MONDO:0024506, OMIM 100300.

Allele frequency attached by ClinVar (database versions not stated): gnomAD exomes 0.00008 and 0.00028; ExAC 0.00028; ESP Exome Variant Server 0.00075; gnomAD 0.00092 and 0.00095; TOPMed 0.00092; 1000 Genomes Project 0.00160; 1000 Genomes Project 30x 0.00187.
gnomAD v4.1: 263 of 1,614,078 alleles (0.016%); highest among the groups gnomAD compares: African/African-American, 0.28%; no homozygotes.

Submissions (6):

Labcorp Genetics (formerly Invitae), Labcorp
Classification: Benign. Last evaluated: 2025-05-11. Review status: criteria provided, single submitter. Criteria: Invitae Variant Classification Sherloc (09022015). Collection method: clinical testing. Allele origin: germline.

Blueprint Genetics
Classification: Likely benign. Last evaluated: 2024-02-13. Review status: criteria provided, single submitter. Criteria: ACMG Guidelines, 2015. Collection method: clinical testing. Allele origin: germline.

Genome-Nilou Lab
Classification: Benign for Adams-Oliver syndrome 1. Last evaluated: 2021-12-05. Review status: criteria provided, single submitter. Criteria: ACMG Guidelines, 2015. Collection method: clinical testing. Allele origin: germline. Affected: no.

Eurofins Ntd Llc (ga)
Classification: Likely benign. Last evaluated: 2015-11-25. Review status: criteria provided, single submitter. Criteria: EGL Classification Definitions 2015. Collection method: clinical testing. Allele origin: germline. Observed: 1 variant allele, 1 heterozygote.

Breakthrough Genomics
Classification: Likely benign. Review status: criteria provided, single submitter. Criteria: ACMG Guidelines, 2015. Collection method: not provided. Allele origin: germline. Inheritance: Autosomal dominant inheritance. Affected: yes.

PreventionGenetics, part of Exact Sciences
Classification: Likely benign for ARHGAP31-related condition. Last evaluated: 2019-08-07. Review status: no assertion criteria provided. Collection method: clinical testing. Allele origin: germline. Not counted in ClinVar's aggregate classification.
Comment: This variant is classified as likely benign based on ACMG/AMP sequence variant interpretation guidelines (Richards et al. 2015 PMID: 25741868, with internal and published modifications).

NM_020754.4(ARHGAP31):c.2364A>T (p.Pro788=)

Gene: ARHGAP31 (Rho GTPase activating protein 31; plus strand). Cytogenetic location: 3q13.33.
Variant type: single nucleotide variant.
Coding change: c.2364A>T on transcript NM_020754.4 (MANE Select); coding-DNA position 2364, A replaced by T.
Protein change: p.Pro788=; no amino-acid change (proline 788 retained).
Molecular consequence: synonymous variant.
Genome position (GRCh38, 1-based): chr3:119,414,293, A>T. VCF-style: chr3-119414293-A-T. GRCh37 (hg19) VCF-style: chr3-119133140-A-T.
Identifiers: ClinVar variation 284963 (VCV000284963.18), dbSNP rs61746581, ClinGen allele CA2554017.